The following is an entry in ClinVar:

NM_018062.4(FANCL):c.981T>C (p.Ser327=)

Gene: FANCL (FA complementation group L; minus strand). Cytogenetic location: 2p16.1.
Variant type: single nucleotide variant.
Coding change: c.981T>C on transcript NM_018062.4 (MANE Select); coding-DNA position 981, T replaced by C.
Protein change: p.Ser327=; no amino-acid change (serine 327 retained).
Molecular consequence: synonymous variant.
Genome position (GRCh38, 1-based): chr2:58,161,561, A>G on the plus strand (T>C on the coding strand, the complement: FANCL is on the minus strand). VCF-style: chr2-58161561-A-G. GRCh37 (hg19) VCF-style: chr2-58388696-A-G.
Other names: p.Ser327=; c.996T>C, p.Ser332= (NM_001114636.2); c.1026T>C, p.Ser342= (NM_001374615.1); c.1041T>C, p.Ser347= (NM_001410792.1).
Identifiers: ClinVar variation 257495 (VCV000257495.32), dbSNP rs848291, ClinGen allele CA1670366.

ClinVar aggregate classification (germline): Benign. Review status: criteria provided, multiple submitters, no conflicts (2 of 4 stars). 11 submissions from 11 submitters: Benign (11). Last evaluated 2026-02-04.

Conditions:
Fanconi anemia (FA). Also called: Fanconi's anemia. Identifiers: Orphanet 84, MedGen C0015625, MeSH D005199, MONDO:0019391.
Fanconi anemia complementation group L (FANCL). Also called: FANCL-Related Fanconi Anemia. Identifiers: Orphanet 84, MedGen C3469528, MONDO:0013566, OMIM 614083.

Allele frequency attached by ClinVar (database versions not stated): gnomAD exomes 0.64344; ExAC 0.64866; gnomAD 0.69782; TOPMed 0.70026; ESP Exome Variant Server 0.70409; 1000 Genomes Project 0.70647; 1000 Genomes Project 30x 0.71205.
gnomAD v4.1: 1,010,034 of 1,608,860 alleles (63%); highest among the groups gnomAD compares: African/African-American, 91%; 321,362 homozygotes.

Submissions (11):

Labcorp Genetics (formerly Invitae), Labcorp
Classification: Benign for Fanconi anemia. Last evaluated: 2026-02-04. Review status: criteria provided, single submitter. Criteria: Invitae Variant Classification Sherloc (09022015). Collection method: clinical testing. Allele origin: germline.

ARUP Laboratories, Molecular Genetics and Genomics, ARUP Laboratories
Classification: Benign for Fanconi anemia complementation group L. Last evaluated: 2025-07-28. Review status: criteria provided, single submitter. Criteria: ARUP Molecular Germline Variant Investigation Process 2024. Collection method: clinical testing. Allele origin: germline.

Blueprint Genetics
Classification: Benign. Last evaluated: 2024-11-26. Review status: criteria provided, single submitter. Criteria: ACMG Guidelines, 2015. Collection method: clinical testing. Allele origin: germline.

KCCC/NGS Laboratory, Kuwait Cancer Control Center
Classification: Benign for Fanconi anemia complementation group L. Last evaluated: 2023-07-07. Review status: criteria provided, single submitter. Criteria: ACMG Guidelines, 2015. Collection method: clinical testing. Allele origin: germline. Affected: yes.

Mayo Clinic Laboratories, Mayo Clinic
Classification: Benign. Last evaluated: 2022-09-06. Review status: criteria provided, single submitter. Criteria: ACMG Guidelines, 2015. Collection method: clinical testing. Allele origin: germline. Observed: 45 variant alleles.

Fulgent Genetics
Classification: Benign for Fanconi anemia complementation group L. Last evaluated: 2022-03-23. Review status: criteria provided, single submitter. Criteria: ACMG Guidelines, 2015. Collection method: clinical testing. Allele origin: unknown.

Genome-Nilou Lab
Classification: Benign for Fanconi anemia complementation group L. Last evaluated: 2021-08-10. Review status: criteria provided, single submitter. Criteria: ACMG Guidelines, 2015. Collection method: clinical testing. Allele origin: germline. Affected: no.

GeneDx
Classification: Benign. Last evaluated: 2019-01-14. Review status: criteria provided, single submitter. Criteria: GeneDx Variant Classification Process June 2021. Collection method: clinical testing. Allele origin: germline. Affected: yes.

Illumina Laboratory Services, Illumina
Classification: Benign for Fanconi anemia complementation group L. Last evaluated: 2018-01-13. Review status: criteria provided, single submitter. Criteria: ICSL Variant Classification Criteria 13 December 2019. Collection method: clinical testing. Allele origin: germline.
Comment: This variant was observed in the ICSL laboratory as part of a predisposition screen in an ostensibly healthy population. It had not been previously curated by ICSL or reported in the Human Gene Mutation Database (HGMD: prior to June 1st, 2018), and was therefore a candidate for classification through an automated scoring system. Utilizing variant allele frequency, disease prevalence and penetrance estimates, and inheritance mode, an automated score was calculated to assess if this variant is too frequent to cause the disease. Based on the score and internal cut-off values, a variant classified as benign is not then subjected to further curation. The score for this variant resulted in a classification of benign for this disease.

Breakthrough Genomics
Classification: Benign. Review status: criteria provided, single submitter. Criteria: ACMG Guidelines, 2015. Collection method: not provided. Allele origin: germline. Inheritance: Autosomal recessive inheritance. Affected: yes.

PreventionGenetics, part of Exact Sciences
Classification: Benign. Review status: criteria provided, single submitter. Criteria: ACMG Guidelines, 2015. Collection method: clinical testing. Allele origin: germline.